The following is an entry in ClinVar:

NM_006015.6(ARID1A):c.2098G>A (p.Val700Ile)

Gene: ARID1A (AT-rich interaction domain 1A; plus strand). Cytogenetic location: 1p36.11.
Variant type: single nucleotide variant.
Coding change: c.2098G>A on transcript NM_006015.6 (MANE Select); coding-DNA position 2098, G replaced by A.
Protein change: p.Val700Ile; replaces valine 700 with isoleucine.
Molecular consequence: missense variant.
Genome position (GRCh38, 1-based): chr1:26,761,033, G>A. VCF-style: chr1-26761033-G-A. GRCh37 (hg19) VCF-style: chr1-27087524-G-A.
Other names: c.2098G>A, p.Val700Ile (NM_139135.4); short protein forms V700I.
Identifiers: ClinVar variation 2192121 (VCV002192121.4), dbSNP rs2124056271, ClinGen allele CA339153099.
Genomic context (GRCh38, chr1:26,761,033, plus strand): 5'-CCTTTCTCTCCTCATACCTCCCCTCACCTGCCTGGCATCCGAGGCCCTTCCCCGTCCCCT[G>A]TTGGCTCTCCCGCCAGTGTTGCTCAGTCTCGCTCAGGACCACTCTCGCCTGCTGCAGTGC-3'
Protein context (NP_006006.3, residues 690-710): PGIRGPSPSP[Val700Ile]GSPASVAQSR

ClinVar aggregate classification (germline): Uncertain significance (1 of 4 stars; one submission).

Submission:

Labcorp Genetics (formerly Invitae), Labcorp
Classification: Uncertain significance. Last evaluated: 2022-07-25. Review status: criteria provided, single submitter. Criteria: Invitae Variant Classification Sherloc (09022015). Collection method: clinical testing. Allele origin: germline.
Comment: Algorithms developed to predict the effect of missense changes on protein structure and function are either unavailable or do not agree on the potential impact of this missense change (SIFT: "Tolerated"; PolyPhen-2: "Not Available"; Align-GVGD: "Class C0"). In summary, the available evidence is currently insufficient to determine the role of this variant in disease. Therefore, it has been classified as a Variant of Uncertain Significance. This variant has not been reported in the literature in individuals affected with ARID1A-related conditions. This sequence change replaces valine, which is neutral and non-polar, with isoleucine, which is neutral and non-polar, at codon 700 of the ARID1A protein (p.Val700Ile). This variant is not present in population databases (gnomAD no frequency).